The following is an entry in ClinVar:

NM_001365276.2(TNXB):c.8665C>G (p.Arg2889Gly)

Gene: TNXB (tenascin XB; minus strand). Cytogenetic location: 6p21.33.
Variant type: single nucleotide variant.
Coding change: c.8665C>G on transcript NM_001365276.2 (MANE Select); coding-DNA position 8665, C replaced by G.
Protein change: p.Arg2889Gly; replaces arginine 2889 with glycine.
Molecular consequence: missense variant.
Genome position (GRCh38, 1-based): chr6:32,053,514, G>C on the plus strand (C>G on the coding strand, the complement: TNXB is on the minus strand). VCF-style: chr6-32053514-G-C. GRCh37 (hg19) VCF-style: chr6-32021291-G-C.
Other names: c.8659C>G, p.Arg2887Gly (NM_019105.8); short protein forms R2887G, R2889G.
Identifiers: ClinVar variation 1302363 (VCV001302363.2), dbSNP rs774438735, ClinGen allele CA363546657.

ClinVar aggregate classification (germline): Uncertain significance (1 of 4 stars; one submission).

gnomAD v4.1: 40 of 1,613,408 alleles (0.0025%); highest among the groups gnomAD compares: Non-Finnish European, 0.0032%; no homozygotes.

Submission:

GeneDx
Classification: Uncertain significance. Last evaluated: 2019-08-06. Review status: criteria provided, single submitter. Criteria: GeneDx Variant Classification Process June 2021. Collection method: clinical testing. Allele origin: germline. Affected: yes.
Comment: Has not been previously published as pathogenic or benign to our knowledge; Not observed in large population cohorts (Lek et al., 2016); In silico analysis, which includes protein predictors and evolutionary conservation, supports a deleterious effect